The following is an entry in ClinVar:

ClinVar aggregate classification (germline): Pathogenic (1 of 4 stars; one submission).

Conditions:
Inborn genetic diseases. Identifiers: MedGen C0950123, MeSH D030342.

gnomAD v4.1: 1 of 1,614,036 alleles (0.000062%); highest among the groups gnomAD compares: Non-Finnish European, 0.000085%; no homozygotes.

Submission:

Ambry Genetics
Classification: Pathogenic for Inborn genetic diseases. Last evaluated: 2025-09-08. Review status: criteria provided, single submitter. Criteria: Ambry Variant Classification Scheme 2023. Collection method: clinical testing. Allele origin: germline.
Comment: The p.Q259* pathogenic mutation (also known as c.775C>T), located in coding exon 3 of the MBD4 gene, results from a C to T substitution at nucleotide position 775. This changes the amino acid from a glutamine to a stop codon within coding exon 3. This variant is considered to be rare based on population cohorts in the Genome Aggregation Database (gnomAD). This alteration is expected to result in loss of function by premature protein truncation or nonsense-mediated mRNA decay. As such, this alteration is interpreted as a disease-causing mutation.

NM_001276270.2(MBD4):c.775C>T (p.Gln259Ter)

Gene: MBD4 (methyl-CpG binding domain 4, DNA glycosylase; minus strand). Cytogenetic location: 3q21.3.
Variant type: single nucleotide variant.
Coding change: c.775C>T on transcript NM_001276270.2 (MANE Select); coding-DNA position 775, C replaced by T.
Protein change: p.Gln259Ter; replaces glutamine 259 with a stop codon.
Molecular consequence: nonsense. On other transcripts: intron variant (1).
Genome position (GRCh38, 1-based): chr3:129,436,869, G>A on the plus strand (C>T on the coding strand, the complement: MBD4 is on the minus strand). VCF-style: chr3-129436869-G-A. GRCh37 (hg19) VCF-style: chr3-129155712-G-A.
Other names: c.775C>T, p.Gln259Ter (NM_001276271.2, NM_001276272.2, NM_003925.3); c.247+939C>T (NM_001276273.2); short protein forms Q259*.
Identifiers: ClinVar variation 4104665 (VCV004104665.1).